The following is an entry in ClinVar:

NM_006939.4(SOS2):c.2431G>A (p.Asp811Asn)

Gene: SOS2 (SOS Ras/Rho guanine nucleotide exchange factor 2; minus strand). Cytogenetic location: 14q21.3.
Variant type: single nucleotide variant.
Coding change: c.2431G>A on transcript NM_006939.4 (MANE Select); coding-DNA position 2431, G replaced by A.
Protein change: p.Asp811Asn; replaces aspartic acid 811 with asparagine.
Molecular consequence: missense variant.
Genome position (GRCh38, 1-based): chr14:50,145,550, C>T on the plus strand (G>A on the coding strand, the complement: SOS2 is on the minus strand). VCF-style: chr14-50145550-C-T. GRCh37 (hg19) VCF-style: chr14-50612268-C-T.
Other names: c.2332G>A, p.Asp778Asn (NM_001411020.1); short protein forms D811N, D778N.
Identifiers: ClinVar variation 4772916 (VCV004772916.1).

ClinVar aggregate classification (germline): Uncertain significance (1 of 4 stars; one submission).

Conditions:
Noonan syndrome 9 (NS9). Identifiers: Orphanet 648, MedGen C4225282, MONDO:0014691, OMIM 616559.

Submission:

Labcorp Genetics (formerly Invitae), Labcorp
Classification: Uncertain significance for Noonan syndrome 9. Last evaluated: 2025-05-23. Review status: criteria provided, single submitter. Criteria: Invitae Variant Classification Sherloc (09022015). Collection method: clinical testing. Allele origin: germline.
Comment: This sequence change replaces aspartic acid, which is acidic and polar, with asparagine, which is neutral and polar, at codon 811 of the SOS2 protein (p.Asp811Asn). This variant is not present in population databases (gnomAD no frequency). This variant has not been reported in the literature in individuals affected with SOS2-related conditions. Invitae Evidence Modeling of protein sequence and biophysical properties (such as structural, functional, and spatial information, amino acid conservation, physicochemical variation, residue mobility, and thermodynamic stability) indicates that this missense variant is not expected to disrupt SOS2 protein function with a negative predictive value of 95%. In summary, the available evidence is currently insufficient to determine the role of this variant in disease. Therefore, it has been classified as a Variant of Uncertain Significance.